The following is an entry in ClinVar:

NM_001378454.1(ALMS1):c.7330C>G (p.Leu2444Val)

Gene: ALMS1 (ALMS1 centrosome and basal body associated protein; plus strand). Cytogenetic location: 2p13.1.
Variant type: single nucleotide variant.
Coding change: c.7330C>G on transcript NM_001378454.1 (MANE Select); coding-DNA position 7330, C replaced by G.
Protein change: p.Leu2444Val; replaces leucine 2444 with valine.
Molecular consequence: missense variant.
Genome position (GRCh38, 1-based): chr2:73,453,857, C>G. VCF-style: chr2-73453857-C-G. GRCh37 (hg19) VCF-style: chr2-73680984-C-G.
Other names: c.7333C>G, p.Leu2445Val (NM_015120.4); short protein forms L2444V, L2445V.
Identifiers: ClinVar variation 3226628 (VCV003226628.1), dbSNP rs1672002905, ClinGen allele CA347292229.

ClinVar aggregate classification (germline): Uncertain significance (1 of 4 stars; one submission).

Conditions:
Cardiovascular phenotype. Identifiers: MedGen CN230736.

Allele frequency attached by ClinVar (database versions not stated): gnomAD 0.00001.
gnomAD v4.1: 1 of 1,613,962 alleles (0.000062%); highest among the groups gnomAD compares: African/African-American, 0.0013%; no homozygotes.

Submission:

Ambry Genetics
Classification: Uncertain significance for Cardiovascular phenotype. Last evaluated: 2024-01-26. Review status: criteria provided, single submitter. Criteria: Ambry Variant Classification Scheme 2023. Collection method: clinical testing. Allele origin: germline.
Comment: The p.L2445V variant (also known as c.7333C>G), located in coding exon 8 of the ALMS1 gene, results from a C to G substitution at nucleotide position 7333. The leucine at codon 2445 is replaced by valine, an amino acid with highly similar properties. This amino acid position is well conserved in available vertebrate species. In addition, this alteration is predicted to be tolerated by in silico analysis. Based on the available evidence, the clinical significance of this alteration remains unclear.